The following is an entry in ClinVar:

ClinVar aggregate classification (germline): Uncertain significance (1 of 4 stars; one submission).

Submission:

GeneDx
Classification: Uncertain significance. Last evaluated: 2019-09-09. Review status: criteria provided, single submitter. Criteria: GeneDx Variant Classification Process June 2021. Collection method: clinical testing. Allele origin: germline. Affected: yes.
Comment: Not observed in large population cohorts (Lek et al., 2016); In-frame duplication of 2 amino acids in a non-repeat region; Has not been previously published as pathogenic or benign to our knowledge

NM_001371986.1(UNC80):c.3759_3764dup (p.Gly1254_Arg1255dup)

Genes: UNC80 (unc-80 homolog, NALCN channel complex subunit; plus strand), LOC121725110 (Sharpr-MPRA regulatory region 8902; plus strand). Cytogenetic location: 2q34.
Variant type: Duplication.
Coding change: c.3759_3764dup on transcript NM_001371986.1 (MANE Select); coding-DNA positions 3759 to 3764, 6 bases duplicated (GGGACG; older notation c.3759_3764dupGGGACG).
Protein change: p.Gly1254_Arg1255dup.
Molecular consequence: inframe insertion.
Genome position (GRCh38, 1-based): chr2:209,872,889-209,872,894, GGGACG duplicated; duplicating any 6 consecutive bases within chr2:209,872,887-209,872,894 gives the same sequence; the c. name uses the placement nearest the transcript's 3' end. VCF-style (leftmost placement, unchanged base first): chr2-209872886-C-CCGGGGA. GRCh37 (hg19) VCF-style: chr2-210737610-C-CCGGGGA.
Other names: c.3765_3770dup, p.Gly1256_Arg1257dup (NM_032504.2); c.3750_3755dup, p.Gly1251_Arg1252dup (NM_182587.4).
Identifiers: ClinVar variation 1312206 (VCV001312206.2), dbSNP rs2124882919, ClinGen allele CA2573051849.